The following is an entry in ClinVar:

ClinVar aggregate classification (germline): Uncertain significance. Review status: criteria provided, multiple submitters, no conflicts (2 of 4 stars). 2 submissions from 2 submitters: Uncertain significance (2). Last evaluated 2025-05-14.

Conditions:
Brugada syndrome. Also called: Sudden unexpected nocturnal death syndrome; Sudden Unexplained Death Syndrome; Sudden Unexplained Nocturnal Death Syndrome (SUNDS); Sudden unexplained nocturnal death syndrome. Identifiers: Orphanet 130, MedGen C1142166, MONDO:0015263.
Cardiovascular phenotype. Identifiers: MedGen CN230736.

gnomAD v4.1: 1 of 1,613,924 alleles (0.000062%); highest among the groups gnomAD compares: Non-Finnish European, 0.000085%; no homozygotes.

Submissions (2):

Ambry Genetics
Classification: Uncertain significance for Cardiovascular phenotype. Last evaluated: 2025-05-14. Review status: criteria provided, single submitter. Criteria: Ambry Variant Classification Scheme 2023. Collection method: clinical testing. Allele origin: germline.
Comment: The p.K195N variant (also known as c.585G>C), located in coding exon 7 of the CACNA2D1 gene, results from a G to C substitution at nucleotide position 585. The lysine at codon 195 is replaced by asparagine, an amino acid with similar properties. This amino acid position is conserved. In addition, this alteration is predicted to be tolerated by in silico analysis. Since supporting evidence is limited at this time, the clinical significance of this alteration remains unclear.

Labcorp Genetics (formerly Invitae), Labcorp
Classification: Uncertain significance for Brugada syndrome. Last evaluated: 2020-03-04. Review status: criteria provided, single submitter. Criteria: Invitae Variant Classification Sherloc (09022015). Collection method: clinical testing. Allele origin: germline.
Comment: Algorithms developed to predict the effect of missense changes on protein structure and function are either unavailable or do not agree on the potential impact of this missense change (SIFT: "Tolerated"; PolyPhen-2: "Possibly Damaging"; Align-GVGD: "Class C0"). In summary, the available evidence is currently insufficient to determine the role of this variant in disease. Therefore, it has been classified as a Variant of Uncertain Significance. This variant has not been reported in the literature in individuals with CACNA2D1-related conditions. This variant is not present in population databases (ExAC no frequency). This sequence change replaces lysine with asparagine at codon 195 of the CACNA2D1 protein (p.Lys195Asn). The lysine residue is moderately conserved and there is a moderate physicochemical difference between lysine and asparagine.

NM_000722.4(CACNA2D1):c.585G>C (p.Lys195Asn)

Gene: CACNA2D1 (calcium voltage-gated channel auxiliary subunit alpha2delta 1; minus strand). Cytogenetic location: 7q21.11.
Variant type: single nucleotide variant.
Coding change: c.585G>C on transcript NM_000722.4 (MANE Select); coding-DNA position 585, G replaced by C.
Protein change: p.Lys195Asn; replaces lysine 195 with asparagine.
Molecular consequence: missense variant.
Genome position (GRCh38, 1-based): chr7:82,084,842, C>G on the plus strand (G>C on the coding strand, the complement: CACNA2D1 is on the minus strand). VCF-style: chr7-82084842-C-G. GRCh37 (hg19) VCF-style: chr7-81714158-C-G.
Other names: c.585G>C (NM_000722.2); c.585G>C, p.Lys195Asn (NM_001302890.2, NM_001366867.1); short protein forms K195N.
Identifiers: ClinVar variation 1018060 (VCV001018060.11), dbSNP rs1035408693, ClinGen allele CA368016796.